The following is an entry in ClinVar:

ClinVar aggregate classification (germline): Uncertain significance (1 of 4 stars; one submission).

gnomAD v4.1: 2 of 1,208,910 alleles (0.00017%); highest among the groups gnomAD compares: Non-Finnish European, 0.00022%; no homozygotes.

Submission:

GeneDx
Classification: Uncertain significance. Last evaluated: 2023-05-30. Review status: criteria provided, single submitter. Criteria: GeneDx Variant Classification Process June 2021. Collection method: clinical testing. Allele origin: germline. Affected: yes.
Comment: Not observed at significant frequency in large population cohorts (gnomAD); In silico analysis supports that this missense variant does not alter protein structure/function; Has not been previously published as pathogenic or benign to our knowledge

NM_181672.3(OGT):c.2921A>G (p.Gln974Arg)

Gene: OGT (O-linked N-acetylglucosamine (GlcNAc) transferase; plus strand). Cytogenetic location: Xq13.1.
Variant type: single nucleotide variant.
Coding change: c.2921A>G on transcript NM_181672.3 (MANE Select); coding-DNA position 2921, A replaced by G.
Protein change: p.Gln974Arg; replaces glutamine 974 with arginine.
Molecular consequence: missense variant.
Genome position (GRCh38, 1-based): chrX:71,568,071, A>G. VCF-style: chrX-71568071-A-G. GRCh37 (hg19) VCF-style: chrX-70787921-A-G.
Other names: c.2891A>G, p.Gln964Arg (NM_181673.3); short protein forms Q964R, Q974R.
Identifiers: ClinVar variation 3359318 (VCV003359318.1).